The following is an entry in ClinVar:

NM_005739.4(RASGRP1):c.799A>T (p.Thr267Ser)

Gene: RASGRP1 (RAS guanyl releasing protein 1; minus strand). Cytogenetic location: 15q14.
Variant type: single nucleotide variant.
Coding change: c.799A>T on transcript NM_005739.4 (MANE Select); coding-DNA position 799, A replaced by T.
Protein change: p.Thr267Ser; replaces threonine 267 with serine.
Molecular consequence: missense variant.
Genome position (GRCh38, 1-based): chr15:38,512,833, T>A on the plus strand (A>T on the coding strand, the complement: RASGRP1 is on the minus strand). VCF-style: chr15-38512833-T-A. GRCh37 (hg19) VCF-style: chr15-38805034-T-A.
Other names: c.799A>T, p.Thr267Ser (NM_001128602.2, NM_001306086.2); c.799A>T (NM_005739.3); short protein forms T267S.
Identifiers: ClinVar variation 1476067 (VCV001476067.6), dbSNP rs750445245, ClinGen allele CA7471040.

ClinVar aggregate classification (germline): Uncertain significance. Review status: criteria provided, multiple submitters, no conflicts (2 of 4 stars). 2 submissions from 2 submitters: Uncertain significance (2). Last evaluated 2025-04-03.

Allele frequency attached by ClinVar (database versions not stated): ExAC 0.00003; gnomAD exomes below 0.00001 and 0.00001; gnomAD 0.00001; TOPMed 0.00001.
gnomAD v4.1: 12 of 1,613,576 alleles (0.00074%); highest among the groups gnomAD compares: Non-Finnish European, 0.001%; no homozygotes.

Submissions (3):

Ambry Genetics
Classification: Uncertain significance. Last evaluated: 2025-04-03. Review status: criteria provided, single submitter. Criteria: Ambry Variant Classification Scheme 2023. Collection method: clinical testing. Allele origin: germline.

Labcorp Genetics (formerly Invitae), Labcorp
Classification: Uncertain significance. Last evaluated: 2023-12-11. Review status: criteria provided, single submitter. Criteria: Invitae Variant Classification Sherloc (09022015). Collection method: clinical testing. Allele origin: germline.
Comment: This sequence change replaces threonine, which is neutral and polar, with serine, which is neutral and polar, at codon 267 of the RASGRP1 protein (p.Thr267Ser). This variant is present in population databases (rs750445245, gnomAD 0.003%). This variant has not been reported in the literature in individuals affected with RASGRP1-related conditions. ClinVar contains an entry for this variant (Variation ID: 1476067). Advanced modeling of protein sequence and biophysical properties (such as structural, functional, and spatial information, amino acid conservation, physicochemical variation, residue mobility, and thermodynamic stability) performed at Invitae indicates that this missense variant is not expected to disrupt RASGRP1 protein function with a negative predictive value of 80%. In summary, the available evidence is currently insufficient to determine the role of this variant in disease. Therefore, it has been classified as a Variant of Uncertain Significance.

Dr. Peter K. Rogan Lab, Western University
No classification provided (evidence only). Condition: Malignant lymphoma, large B-cell, diffuse. Review status: no classification provided. Collection method: in vitro. Allele origin: not applicable. Functional consequence: retained intron. Not counted in ClinVar's aggregate classification.